The following is an entry in ClinVar:

NM_001349253.2(SCN11A):c.1913G>T (p.Arg638Leu)

Gene: SCN11A (sodium voltage-gated channel alpha subunit 11; minus strand). Cytogenetic location: 3p22.2.
Variant type: single nucleotide variant.
Coding change: c.1913G>T on transcript NM_001349253.2 (MANE Select); coding-DNA position 1913, G replaced by T.
Protein change: p.Arg638Leu; replaces arginine 638 with leucine.
Molecular consequence: missense variant.
Genome position (GRCh38, 1-based): chr3:38,900,003, C>A on the plus strand (G>T on the coding strand, the complement: SCN11A is on the minus strand). VCF-style: chr3-38900003-C-A. GRCh37 (hg19) VCF-style: chr3-38941494-C-A.
Other names: c.1913G>T, p.Arg638Leu (NM_014139.3); short protein forms R638L.
Identifiers: ClinVar variation 1023019 (VCV001023019.5), dbSNP rs745884793, ClinGen allele CA352161785.

ClinVar aggregate classification (germline): Uncertain significance (1 of 4 stars; one submission).

Conditions:
Hereditary sensory and autonomic neuropathy type 7. Also called: HSAN VII; Neuropathy, hereditary sensory and autonomic, type VII. Identifiers: Orphanet 391397, MedGen C3809882, MONDO:0014244, OMIM 615548.
Familial episodic pain syndrome with predominantly lower limb involvement. Also called: Episodic pain syndrome, familial, 3. Identifiers: Orphanet 391384, Orphanet 391392, MedGen C3809899, MONDO:0014247, OMIM 615552.

gnomAD v4.1: 1 of 1,613,990 alleles (0.000062%); highest among the groups gnomAD compares: Non-Finnish European, 0.000085%; no homozygotes.

Submission:

Labcorp Genetics (formerly Invitae), Labcorp
Classification: Uncertain significance for Familial episodic pain syndrome with predominantly lower limb involvement; Hereditary sensory and autonomic neuropathy type 7. Last evaluated: 2020-07-12. Review status: criteria provided, single submitter. Criteria: Invitae Variant Classification Sherloc (09022015). Collection method: clinical testing. Allele origin: germline.
Comment: In summary, the available evidence is currently insufficient to determine the role of this variant in disease. Therefore, it has been classified as a Variant of Uncertain Significance. Algorithms developed to predict the effect of missense changes on protein structure and function output the following: SIFT: "Tolerated"; PolyPhen-2: "Benign"; Align-GVGD: "Class C0". The leucine amino acid residue is found in multiple mammalian species, suggesting that this missense change does not adversely affect protein function. These predictions have not been confirmed by published functional studies and their clinical significance is uncertain. This variant has not been reported in the literature in individuals with SCN11A-related conditions. This variant is not present in population databases (ExAC no frequency). This sequence change replaces arginine with leucine at codon 638 of the SCN11A protein (p.Arg638Leu). The arginine residue is moderately conserved and there is a moderate physicochemical difference between arginine and leucine.